The following is an entry in ClinVar:

ClinVar aggregate classification (germline): Conflicting classifications of pathogenicity. Review status: criteria provided, conflicting classifications (1 of 4 stars). 8 submissions from 4 submitters: Uncertain significance (5); Likely benign (3). Last evaluated 2025-12-16.

Conditions:
TTN-related disorder. Also called: TTN-related condition; TTN-related disease; TTN-related disorders.
Autosomal recessive limb-girdle muscular dystrophy type 2J (LGMDR10). Also called: Limb-girdle muscular dystrophy, type 2J; MUSCULAR DYSTROPHY, LIMB-GIRDLE, AUTOSOMAL RECESSIVE 10. Identifiers: Orphanet 140922, MedGen C1837342, MONDO:0012127, OMIM 608807.
Dilated cardiomyopathy 1G (CMD1G). Identifiers: Orphanet 154, MedGen C1858763, MONDO:0011400, OMIM 604145.
Cardiovascular phenotype. Identifiers: MedGen CN230736.
Early-onset myopathy with fatal cardiomyopathy (CMYO5). Also called: Salih Myopathy; CONGENITAL MYOPATHY 5 WITH CARDIOMYOPATHY. Identifiers: Orphanet 289377, MedGen C2673677, MONDO:0012714, OMIM 611705. Disease mechanism: loss of function.
Tibial muscular dystrophy (TMD). Also called: Tibial muscular dystrophy, tardive; Udd Distal Myopathy – Tibial Muscular Dystrophy; UDD MYOPATHY. Identifiers: Orphanet 609, MedGen C1838244, MONDO:0010870, OMIM 600334.
Myopathy, myofibrillar, 9, with early respiratory failure (MFM9). Also called: Hereditary myopathy with early respiratory failure; MYOPATHY, PROXIMAL, WITH EARLY RESPIRATORY MUSCLE INVOLVEMENT; Myopathy, distal, with early respiratory failure, autosomal dominant; EDSTROM MYOPATHY. Identifiers: Orphanet 178464, Orphanet 34521, MedGen C1863599, MONDO:0011362, OMIM 603689.

Allele frequency attached by ClinVar (database versions not stated): TOPMed 0.00001; ExAC 0.00002; gnomAD exomes below 0.00001 and 0.00001; gnomAD 0.00001.
gnomAD v4.1: 13 of 1,603,888 alleles (0.00081%); highest among the groups gnomAD compares: Non-Finnish European, 0.00034%; no homozygotes.

Submissions (8):

Labcorp Genetics (formerly Invitae), Labcorp
Classification: Likely benign for Dilated cardiomyopathy 1G; Autosomal recessive limb-girdle muscular dystrophy type 2J. Last evaluated: 2025-12-16. Review status: criteria provided, single submitter. Criteria: Invitae Variant Classification Sherloc (09022015). Collection method: clinical testing. Allele origin: germline.

PreventionGenetics, part of Exact Sciences
Classification: Likely benign for TTN-related condition. Last evaluated: 2025-04-23. Review status: criteria provided, single submitter. Criteria: ACMG Guidelines, 2015. Collection method: clinical testing. Allele origin: germline.
Comment: This variant is classified as likely benign based on ACMG/AMP sequence variant interpretation guidelines (Richards et al. 2015 PMID: 25741868, with internal and published modifications).

Ambry Genetics
Classification: Likely benign for Cardiovascular phenotype. Last evaluated: 2023-06-28. Review status: criteria provided, single submitter. Criteria: Ambry Variant Classification Scheme 2023. Collection method: clinical testing. Allele origin: germline.

Illumina Laboratory Services, Illumina
Classification: Uncertain significance for Dilated cardiomyopathy 1G. Last evaluated: 2018-01-12. Review status: criteria provided, single submitter. Criteria: ICSL Variant Classification Criteria 13 December 2019. Collection method: clinical testing. Allele origin: germline.

Illumina Laboratory Services, Illumina
Classification: Uncertain significance for Early-onset myopathy with fatal cardiomyopathy. Last evaluated: 2018-01-12. Review status: criteria provided, single submitter. Criteria: ICSL Variant Classification Criteria 13 December 2019. Collection method: clinical testing. Allele origin: germline.

Illumina Laboratory Services, Illumina
Classification: Uncertain significance for Tibial muscular dystrophy. Last evaluated: 2018-01-12. Review status: criteria provided, single submitter. Criteria: ICSL Variant Classification Criteria 13 December 2019. Collection method: clinical testing. Allele origin: germline.

Illumina Laboratory Services, Illumina
Classification: Uncertain significance for Autosomal recessive limb-girdle muscular dystrophy type 2J. Last evaluated: 2018-01-12. Review status: criteria provided, single submitter. Criteria: ICSL Variant Classification Criteria 13 December 2019. Collection method: clinical testing. Allele origin: germline.

Illumina Laboratory Services, Illumina
Classification: Uncertain significance for Myopathy, myofibrillar, 9, with early respiratory failure. Last evaluated: 2018-01-12. Review status: criteria provided, single submitter. Criteria: ICSL Variant Classification Criteria 13 December 2019. Collection method: clinical testing. Allele origin: germline.

NM_001267550.2(TTN):c.56433T>C (p.Asp18811=)

Genes: TTN (titin; minus strand), TTN-AS1 (TTN antisense RNA 1; plus strand). Cytogenetic location: 2q31.2.
Variant type: single nucleotide variant.
Coding change: c.56433T>C on transcript NM_001267550.2 (MANE Select); coding-DNA position 56433, T replaced by C.
Protein change: p.Asp18811=; no amino-acid change (aspartic acid 18811 retained).
Molecular consequence: synonymous variant.
Genome position (GRCh38, 1-based): chr2:178,599,360, A>G on the plus strand (T>C on the coding strand, the complement: TTN is on the minus strand). VCF-style: chr2-178599360-A-G. GRCh37 (hg19) VCF-style: chr2-179464087-A-G.
Other names: c.51510T>C, p.Asp17170= (NM_001256850.1); c.29238T>C, p.Asp9746= (NM_003319.4); c.48729T>C, p.Asp16243= (NM_133378.4); c.29613T>C, p.Asp9871= (NM_133432.3); c.29814T>C, p.Asp9938= (NM_133437.4).
Identifiers: ClinVar variation 698910 (VCV000698910.13), dbSNP rs771353550, ClinGen allele CA1993249.
Genomic context (GRCh38, chr2:178,599,360, plus strand): 5'-TGTCTTCCTGTTAGCTTCTCTTTTCTCAATTACATAGTTTGTAATCTTAGACCCACCATC[A>G]TCTTTAGGTGGAAACCAAGATAGTGTCATTTGATCTGCTGAAACAGATTCAAATTTTATG-3'
Protein context (NP_001254479.2, residues 18801-18821): QMTLSWFPPK[Asp18811=]DGGSKITNYV